The following is an entry in ClinVar:

NM_031935.3(HMCN1):c.1804G>A (p.Ala602Thr)

Gene: HMCN1 (hemicentin 1; plus strand). Cytogenetic location: 1q31.1.
Variant type: single nucleotide variant.
Coding change: c.1804G>A on transcript NM_031935.3 (MANE Select); coding-DNA position 1804, G replaced by A.
Protein change: p.Ala602Thr; replaces alanine 602 with threonine.
Molecular consequence: missense variant.
Genome position (GRCh38, 1-based): chr1:185,933,800, G>A. VCF-style: chr1-185933800-G-A. GRCh37 (hg19) VCF-style: chr1-185902932-G-A.
Other names: c.1804G>A (NM_031935.2); short protein forms A602T.
Identifiers: ClinVar variation 2908981 (VCV002908981.4), dbSNP rs763721030, ClinGen allele CA1291198.

ClinVar aggregate classification (germline): Uncertain significance. Review status: criteria provided, multiple submitters, no conflicts (2 of 4 stars). 2 submissions from 2 submitters: Uncertain significance (2). Last evaluated 2025-08-25.

Allele frequency attached by ClinVar (database versions not stated): gnomAD 0.00002; TOPMed 0.00002; ExAC 0.00006.
gnomAD v4.1: 45 of 1,613,652 alleles (0.0028%); highest among the groups gnomAD compares: South Asian, 0.018%; no homozygotes.

Submissions (2):

Ambry Genetics
Classification: Uncertain significance. Last evaluated: 2025-08-25. Review status: criteria provided, single submitter. Criteria: Ambry Variant Classification Scheme 2023. Collection method: clinical testing. Allele origin: germline.

Labcorp Genetics (formerly Invitae), Labcorp
Classification: Uncertain significance. Last evaluated: 2023-07-19. Review status: criteria provided, single submitter. Criteria: Invitae Variant Classification Sherloc (09022015). Collection method: clinical testing. Allele origin: germline.
Comment: This sequence change replaces alanine, which is neutral and non-polar, with threonine, which is neutral and polar, at codon 602 of the HMCN1 protein (p.Ala602Thr). This variant is present in population databases (rs763721030, gnomAD 0.03%). This variant has not been reported in the literature in individuals affected with HMCN1-related conditions. An algorithm developed to predict the effect of missense changes on protein structure and function (PolyPhen-2) suggests that this variant is likely to be tolerated. In summary, the available evidence is currently insufficient to determine the role of this variant in disease. Therefore, it has been classified as a Variant of Uncertain Significance.